The following is an entry in ClinVar:

NM_002579.3(PALM):c.95G>A (p.Arg32His)

Gene: PALM (paralemmin; plus strand). Cytogenetic location: 19p13.3.
Variant type: single nucleotide variant.
Coding change: c.95G>A on transcript NM_002579.3 (MANE Select); coding-DNA position 95, G replaced by A.
Protein change: p.Arg32His; replaces arginine 32 with histidine.
Molecular consequence: missense variant.
Genome position (GRCh38, 1-based): chr19:727,045, G>A. VCF-style: chr19-727045-G-A. GRCh37 (hg19) VCF-style: chr19-727045-G-A.
Other names: c.95G>A, p.Arg32His (NM_001040134.2); short protein forms R32H.
Identifiers: ClinVar variation 2721359 (VCV002721359.3), dbSNP rs1001270877, ClinGen allele CA303933251.
Genomic context (GRCh38, chr19:727,045, plus strand): 5'-ACCCCACCCGGCCCTCCCCACAGGAGAAGCGGAAGCGGCAGGCGGAGATCGAGAACAAGC[G>A]CCGGCAGCTGGAGGACGAGCGGAGGCAGCTGCAGCACCTGAAGGTACGAGCGGGGCAGGG-3'
Protein context (NP_002570.2, residues 22-42): RKRQAEIENK[Arg32His]RQLEDERRQL

ClinVar aggregate classification (germline): Uncertain significance (1 of 4 stars; one submission).

Allele frequency attached by ClinVar (database versions not stated): gnomAD 0.00001; TOPMed 0.00001; gnomAD exomes 0.00003.
gnomAD v4.1: 33 of 1,356,018 alleles (0.0024%); highest among the groups gnomAD compares: Non-Finnish European, 0.0031%; no homozygotes.

Submission:

Labcorp Genetics (formerly Invitae), Labcorp
Classification: Uncertain significance. Last evaluated: 2023-05-30. Review status: criteria provided, single submitter. Criteria: Invitae Variant Classification Sherloc (09022015). Collection method: clinical testing. Allele origin: germline.
Comment: In summary, the available evidence is currently insufficient to determine the role of this variant in disease. Therefore, it has been classified as a Variant of Uncertain Significance. An algorithm developed to predict the effect of missense changes on protein structure and function (PolyPhen-2) suggests that this variant is likely to be disruptive. This variant has not been reported in the literature in individuals affected with PALM-related conditions. This variant is not present in population databases (gnomAD no frequency). This sequence change replaces arginine, which is basic and polar, with histidine, which is basic and polar, at codon 32 of the PALM protein (p.Arg32His).